The following is an entry in ClinVar:

NM_014920.5(CILK1):c.807C>A (p.Pro269=)

Gene: CILK1 (ciliogenesis associated kinase 1; minus strand). Cytogenetic location: 6p12.1.
Variant type: single nucleotide variant.
Coding change: c.807C>A on transcript NM_014920.5 (MANE Select); coding-DNA position 807, C replaced by A.
Protein change: p.Pro269=; no amino-acid change (proline 269 retained).
Molecular consequence: synonymous variant. On other transcripts: non-coding transcript variant (1).
Genome position (GRCh38, 1-based): chr6:53,016,107, G>T on the plus strand (C>A on the coding strand, the complement: CILK1 is on the minus strand). VCF-style: chr6-53016107-G-T. GRCh37 (hg19) VCF-style: chr6-52880905-G-T.
Other names: c.807C>A, p.Pro269= (NM_001375397.1, NM_001375398.1, NM_001375399.1 and 4 more transcripts).
Identifiers: ClinVar variation 2420809 (VCV002420809.13), dbSNP rs748908458, ClinGen allele CA3858696.

ClinVar aggregate classification (germline): Likely benign. Review status: criteria provided, multiple submitters, no conflicts (2 of 4 stars). 2 submissions from 2 submitters: Likely benign (2). Last evaluated 2025-10-01.

Allele frequency attached by ClinVar (database versions not stated): gnomAD exomes 0.00001; TOPMed 0.00001; ExAC 0.00002; gnomAD 0.00002.
gnomAD v4.1: 15 of 1,613,946 alleles (0.00093%); highest among the groups gnomAD compares: East Asian, 0.033%; no homozygotes.

Submissions (2):

CeGaT Center for Human Genetics Tuebingen
Classification: Likely benign. Last evaluated: 2025-10-01. Review status: criteria provided, single submitter. Criteria: CeGaT Center For Human Genetics Tuebingen Variant Classification Criteria Version 2. Collection method: clinical testing. Allele origin: germline. Affected: yes. Observed: 1 variant allele.
Comment: CILK1: BP4, BP7

Labcorp Genetics (formerly Invitae), Labcorp
Classification: Likely benign. Last evaluated: 2025-09-15. Review status: criteria provided, single submitter. Criteria: Invitae Variant Classification Sherloc (09022015). Collection method: clinical testing. Allele origin: germline.